The following is an entry in ClinVar:

ClinVar aggregate classification (germline): Uncertain significance (1 of 4 stars; one submission).

gnomAD v4.1: 2 of 1,613,798 alleles (0.00012%); highest among the groups gnomAD compares: Non-Finnish European, 0.00017%; no homozygotes.

Submission:

CeGaT Center for Human Genetics Tuebingen
Classification: Uncertain significance. Last evaluated: 2024-01-01. Review status: criteria provided, single submitter. Criteria: CeGaT Center For Human Genetics Tuebingen Variant Classification Criteria Version 2. Collection method: clinical testing. Allele origin: germline. Affected: yes. Observed: 1 variant allele.
Comment: COL6A3: PM2:Supporting

NM_004369.4(COL6A3):c.6614C>T (p.Pro2205Leu)

Gene: COL6A3 (collagen type VI alpha 3 chain; minus strand). Cytogenetic location: 2q37.3.
Variant type: single nucleotide variant.
Coding change: c.6614C>T on transcript NM_004369.4 (MANE Select); coding-DNA position 6614, C replaced by T.
Protein change: p.Pro2205Leu; replaces proline 2205 with leucine.
Molecular consequence: missense variant.
Genome position (GRCh38, 1-based): chr2:237,354,912, G>A on the plus strand (C>T on the coding strand, the complement: COL6A3 is on the minus strand). VCF-style: chr2-237354912-G-A. GRCh37 (hg19) VCF-style: chr2-238263555-G-A.
Other names: c.4793C>T, p.Pro1598Leu (NM_057166.5); c.5996C>T, p.Pro1999Leu (NM_057167.4); short protein forms P1598L, P1999L, P2205L.
Identifiers: ClinVar variation 3026270 (VCV003026270.20), dbSNP rs1413329161, ClinGen allele CA351213700.
Genomic context (GRCh38, chr2:237,354,912, plus strand): 5'-CTGGGCTGTTTGAAGAGAGTCTCCAGGGGGCACTGCATGAGGCTCACCTTAGCTCCGGGG[G>A]GTCCCCTTCGGCCAAAGCCACCCTGTGGAAGAAAAAGTCCCACAAACTGTGAGGGGGAGC-3'
Protein context (NP_004360.2, residues 2195-2215): GKNGGFGRRG[Pro2205Leu]PGAKGNKGGP